The following is an entry in ClinVar:

ClinVar aggregate classification (germline): Likely benign. Review status: reviewed by expert panel (3 of 4 stars). 4 submissions from 4 submitters: Likely benign (1). 3 of the submissions do not count toward it. Last evaluated 2025-10-28.

Conditions:
Autosomal recessive limb-girdle muscular dystrophy type 2A (LGMDR1). Also called: Muscular dystrophy, limb-girdle, type 2A, Amish; LEYDEN-MOEBIUS MUSCULAR DYSTROPHY; MUSCULAR DYSTROPHY, PELVOFEMORAL; Limb-girdle muscular dystrophy, type 2A; Calpainopathy. Identifiers: Orphanet 267, MedGen C1869123, MONDO:0009675, OMIM 253600. Disease mechanism: loss of function.
Autosomal recessive limb-girdle muscular dystrophy. Identifiers: Orphanet 102015, MedGen C2931907, MONDO:0015152.

Allele frequency attached by ClinVar (database versions not stated): gnomAD exomes 0.00004 and 0.00018; TOPMed 0.00004; gnomAD 0.00006; ExAC 0.00013; 1000 Genomes Project 30x 0.00031; 1000 Genomes Project 0.00040.

Submissions (4):

ClinGen Limb Girdle Muscular Dystrophy Variant Curation Expert Panel, ClinGen
Classification: Likely benign for Autosomal recessive limb-girdle muscular dystrophy. Last evaluated: 2025-10-28. Review status: reviewed by expert panel. Criteria: ClinGen LGMD VCEP ACMG Specifications CAPN3 V1.0.0. Collection method: curation. Allele origin: germline. Inheritance: Autosomal recessive inheritance.
Comment: The NM_000070.3: c.329G>A variant in CAPN3 is a missense variant predicted to cause substitution of arginine by glutamine at amino acid 110 (p.Arg110Gln). The filtering allele frequency for this variant is 0.001227 for the East Asian population in gnomAD v4.1.0 (the lower threshold of the 95% CI of 61/39696 exome chromosomes), which is greater than the ClinGen LGMD VCEP threshold of 0.001 for BS1, and therefore meets this criterion (BS1). This variant has been reported in an individual with LGMD, but it was observed in unknown phase with a benign variant (PMID: 32994280; LOVD Individual #00311334). The REVEL score for this variant is 0.384 and the SpliceAI score is 0.01 (BP4, PP3 not met). In summary, this variant meets the criteria to be classified as Likely Benign for autosomal recessive limb girdle muscular dystrophy based on the ACMG/AMP criteria applied, as specified by the ClinGen LGMD VCEP (LGMD VCEP specifications version 1.0.0; 10/28/2025): BS1.

Labcorp Genetics (formerly Invitae), Labcorp
Classification: Likely benign for Autosomal recessive limb-girdle muscular dystrophy type 2A. Last evaluated: 2025-09-24. Review status: criteria provided, single submitter. Criteria: Invitae Variant Classification Sherloc (09022015). Collection method: clinical testing. Allele origin: germline. Not counted in ClinVar's aggregate classification.

Revvity Omics, Revvity
Classification: Uncertain significance. Last evaluated: 2025-08-08. Review status: criteria provided, single submitter. Criteria: ACMG Guidelines, 2015. Collection method: clinical testing. Allele origin: germline. Not counted in ClinVar's aggregate classification.

Natera, Inc.
Classification: Uncertain significance for Limb-girdle muscular dystrophy type 2A. Last evaluated: 2020-04-17. Review status: no assertion criteria provided. Collection method: clinical testing. Allele origin: germline. Not counted in ClinVar's aggregate classification.

NM_000070.3(CAPN3):c.329G>A (p.Arg110Gln)

Gene: CAPN3 (calpain 3; plus strand). Cytogenetic location: 15q15.1.
Variant type: single nucleotide variant.
Coding change: c.329G>A on transcript NM_000070.3 (MANE Select); coding-DNA position 329, G replaced by A.
Protein change: p.Arg110Gln; replaces arginine 110 with glutamine.
Molecular consequence: missense variant.
Genome position (GRCh38, 1-based): chr15:42,384,502, G>A. VCF-style: chr15-42384502-G-A. GRCh37 (hg19) VCF-style: chr15-42676700-G-A.
Other names: NM_000070.3(CAPN3):c.329G>A; p.Arg110Gln; c.329G>A, p.Arg110Gln (NM_024344.2, NM_173087.2); short protein forms R110Q.
Identifiers: ClinVar variation 798187 (VCV000798187.14), dbSNP rs188108732, ClinGen allele CA7510919.
Genomic context (GRCh38, chr15:42,384,502, plus strand): 5'-TACTGTTATTCTTACCTGGTCATTTCCTTTTTGTTTCACAGGAAATTTGCGAGAATCCCC[G>A]ATTTATCATTGATGGAGCCAACAGAACTGACATCTGTCAAGGAGAGCTAGGTAGGAAAGT-3'
Protein context (NP_000061.1, residues 100-120): KRPPEICENP[Arg110Gln]FIIDGANRTD